The following is an entry in ClinVar:

NM_015175.3(NBEAL2):c.3529G>A (p.Asp1177Asn)

Gene: NBEAL2 (neurobeachin like 2; plus strand). Cytogenetic location: 3p21.31.
Variant type: single nucleotide variant.
Coding change: c.3529G>A on transcript NM_015175.3 (MANE Select); coding-DNA position 3529, G replaced by A.
Protein change: p.Asp1177Asn; replaces aspartic acid 1177 with asparagine.
Molecular consequence: missense variant.
Genome position (GRCh38, 1-based): chr3:46,999,103, G>A. VCF-style: chr3-46999103-G-A. GRCh37 (hg19) VCF-style: chr3-47040593-G-A.
Other names: c.3427G>A, p.Asp1143Asn (NM_001365116.2); c.3529G>A (NM_015175.1); short protein forms D1143N, D1177N.
Identifiers: ClinVar variation 899782 (VCV000899782.8), dbSNP rs746255435, ClinGen allele CA2360975.

ClinVar aggregate classification (germline): Uncertain significance. Review status: criteria provided, multiple submitters, no conflicts (2 of 4 stars). 3 submissions from 3 submitters: Uncertain significance (3). Last evaluated 2025-08-09.

Conditions:
Inborn genetic diseases. Identifiers: MedGen C0950123, MeSH D030342.
Gray platelet syndrome (GPS). Also called: BLEEDING DISORDER, PLATELET-TYPE, 4. Identifiers: Orphanet 721, MedGen C0272302, MONDO:0007686, OMIM 139090.

Allele frequency attached by ClinVar (database versions not stated): gnomAD 0.00002; TOPMed 0.00003; 1000 Genomes Project 30x 0.00016.
gnomAD v4.1: 72 of 1,581,856 alleles (0.0046%); highest among the groups gnomAD compares: Middle Eastern, 0.017%; no homozygotes.

Submissions (3):

Ambry Genetics
Classification: Uncertain significance for Inborn genetic diseases. Last evaluated: 2025-08-09. Review status: criteria provided, single submitter. Criteria: Ambry Variant Classification Scheme 2023. Collection method: clinical testing. Allele origin: germline.

Baylor Genetics
Classification: Uncertain significance for Gray platelet syndrome. Last evaluated: 2019-02-11. Review status: criteria provided, single submitter. Criteria: ACMG Guidelines, 2015. Collection method: clinical testing. Allele origin: paternal. Affected: yes.
Comment: This variant was determined to be of uncertain significance according to ACMG Guidelines, 2015 [PMID:25741868].

Illumina Laboratory Services, Illumina
Classification: Uncertain significance for Gray platelet syndrome. Last evaluated: 2018-01-13. Review status: criteria provided, single submitter. Criteria: ICSL Variant Classification Criteria 13 December 2019. Collection method: clinical testing. Allele origin: germline.